The following is an entry in ClinVar:

NM_001009944.3(PKD1):c.10951G>A (p.Gly3651Ser)

Genes: PKD1 (polycystin 1, transient receptor potential channel interacting; minus strand), PKD1-AS1 (PKD1 antisense RNA 1; plus strand). Cytogenetic location: 16p13.3.
Variant type: single nucleotide variant.
Coding change: c.10951G>A on transcript NM_001009944.3 (MANE Select); coding-DNA position 10951, G replaced by A.
Protein change: p.Gly3651Ser; replaces glycine 3651 with serine.
Molecular consequence: missense variant.
Genome position (GRCh38, 1-based): chr16:2,093,609, C>T on the plus strand (G>A on the coding strand, the complement: PKD1 is on the minus strand). VCF-style: chr16-2093609-C-T. GRCh37 (hg19) VCF-style: chr16-2143610-C-T.
Other names: c.10948G>A, p.Gly3650Ser (NM_000296.4); c.10948G>A (NM_000296.3); short protein forms G3650S, G3651S.
Identifiers: ClinVar variation 992450 (VCV000992450.14), dbSNP rs2091705970, ClinGen allele CA394338792.

ClinVar aggregate classification (germline): Conflicting classifications of pathogenicity. Review status: criteria provided, conflicting classifications (1 of 4 stars). 9 submissions from 9 submitters: Pathogenic (4); Likely pathogenic (1); Uncertain significance (3). 1 of the submissions does not count toward it. Last evaluated 2026-07-20.

Conditions:
PKD1-related disorder. Also called: PKD1-related condition.
Inborn genetic diseases. Identifiers: MedGen C0950123, MeSH D030342.
Polycystic kidney disease, adult type (PKD1). Also called: Polycystic Kidney Disease 1, Autosomal Dominant; Polycystic kidney disease 1; POLYCYSTIC KIDNEY DISEASE, ADULT, TYPE I; Polycystic Kidney, Autosomal Dominant; Polycystic kidney disease 1, severe; POLYCYSTIC KIDNEY DISEASE 1 WITH OR WITHOUT POLYCYSTIC LIVER DISEASE. Identifiers: MedGen C3149841, MONDO:0008263, OMIM 173900.

Submissions (9):

MVZ Medizinische Genetik Mainz
Classification: Pathogenic for Polycystic kidney disease, adult type. Last evaluated: 2026-07-20. Review status: criteria provided, single submitter. Criteria: UK Practice Guidelines For Variant Classification V4 01 2020. Collection method: clinical testing. Allele origin: germline. Inheritance: Autosomal dominant inheritance. Affected: yes. Observed: 1 variant allele.
Comment: ACMG Criteria: PS4,PM5,PP1_MOD,PM2_SUP,PP4

GeneDx
Classification: Uncertain significance. Last evaluated: 2026-07-14. Review status: criteria provided, single submitter. Criteria: GeneDx Variant Classification Process June 2021. Collection method: clinical testing. Allele origin: germline.
Comment: Not observed at significant frequency in large population cohorts (gnomAD); In silico analysis supports that this missense variant has a deleterious effect on protein structure/function; This variant is associated with the following publications: (PMID: 31317121, 17582161, 27499327, 23431072, 30333007, 25340609, 22508176, 15775720, 31740684, 24694054, 38106161, 37509056, 38972501, 35325889)

PreventionGenetics, part of Exact Sciences
Classification: Pathogenic for PKD1-related condition. Last evaluated: 2025-06-07. Review status: criteria provided, single submitter. Criteria: ACMG Guidelines, 2015. Collection method: clinical testing. Allele origin: germline.
Comment: The PKD1 c.10951G>A variant is predicted to result in the amino acid substitution p.Gly3651Ser. This variant has been repeatedly reported in individuals of different ethnic origins with autosomal dominant polycystic kidney disease (ADPKD) (see for example, reported as 3650G-S in Table 9, Zhang et al. 2005. PubMed ID: 15775720; Carrera et al. 2016. PubMed ID: 27499327; Suppl. Table 1, Cornec-Le Gall et al. 2013. PubMed ID: 23431072; reported as p.Gly3650Ser in Supplementary Table S6C, Kim et al. 2019. PubMed ID: 31740684). Of note, a different substitution at the same codon (p.Gly3651Asp) has been reported in a patient with ADPKD (Supp. Table S6, Audrézet et al. 2012. PubMed ID: 22508176). The c.10951G>A (p.Gly3651Ser) variant has not been reported in a large population database (gnomAD), indicating this variant is rare. This variant is interpreted as pathogenic.

Women's Health and Genetics/Laboratory Corporation of America, LabCorp
Classification: Pathogenic for Polycystic kidney disease, adult type. Last evaluated: 2025-03-21. Review status: criteria provided, single submitter. Criteria: LabCorp Variant Classification Summary - May 2015. Collection method: clinical testing. Allele origin: germline.
Comment: Variant summary: PKD1 c.10951G>A (p.Gly3651Ser) results in a non-conservative amino acid change in the encoded protein sequence. Four of five in-silico tools predict a damaging effect of the variant on protein function. The variant was absent in 240818 control chromosomes. c.10951G>A has been reported in the literature in heterozygous individuals affected with Polycystic Kidney Disease 1, including families in which segregation was established (example: Zhang_2005, Rossetti_2007, Cornec-LeGall_2013, Obeidova_2014). These data indicate that the variant is likely to be associated with disease. At least one publication reports experimental evidence evaluating an impact on protein function. Specifically, it was demonstrated that the variant was associated with normal surface expression, but led to the disruption of polycystin channel function (example: Ha_2024). The following publications have been ascertained in the context of this evaluation (PMID: 23431072, 38106161, 24694054, 17582161, 15775720). ClinVar contains an entry for this variant (Variation ID: 992450). Based on the evidence outlined above, the variant was classified as pathogenic.

Ambry Genetics
Classification: Uncertain significance for Inborn genetic diseases. Last evaluated: 2024-07-11. Review status: criteria provided, single submitter. Criteria: Ambry Variant Classification Scheme 2023. Collection method: clinical testing. Allele origin: germline.

Department of Pathology and Laboratory Medicine, Sinai Health System
Classification: Likely pathogenic for Polycystic kidney disease, adult type. Last evaluated: 2024-01-04. Review status: criteria provided, single submitter. Criteria: ACMG Guidelines, 2015. Collection method: clinical testing. Allele origin: germline. Affected: yes.

Fulgent Genetics
Classification: Pathogenic for Polycystic kidney disease, adult type. Last evaluated: 2022-03-13. Review status: criteria provided, single submitter. Criteria: ACMG Guidelines, 2015. Collection method: clinical testing. Allele origin: unknown.

Juno Genomics, Hangzhou Juno Genomics, Inc
Classification: Uncertain significance for Polycystic kidney disease, adult type. Review status: criteria provided, single submitter. Criteria: ACMG Guidelines, 2015. Collection method: clinical testing. Allele origin: germline. Affected: yes.
Comment: Absent from controls (or at extremely low frequency if recessive) in Genome Aggregation Database.;The prevalence of the variant in affected individuals is significantly increased compared to the prevalence in controls.;Patient's phenotype or family history is highly specific for a disease with a single genetic etiology.;Co-segregation with disease in multiple affected family members.

Bioscientia Institut fuer Medizinische Diagnostik GmbH, Sonic Healthcare
Classification: Pathogenic for Polycystic kidney disease, adult type. Last evaluated: 2020-02-24. Review status: no assertion criteria provided. Collection method: clinical testing. Allele origin: germline. Affected: yes. Not counted in ClinVar's aggregate classification.

Literature cited by the submitters: PubMed 23431072 (cited by Women's Health and Genetics/Laboratory Corporation of America, LabCorp); PubMed 24694054 (cited by Women's Health and Genetics/Laboratory Corporation of America, LabCorp and Department of Pathology and Laboratory Medicine, Sinai Health System); PubMed 17582161 (cited by Women's Health and Genetics/Laboratory Corporation of America, LabCorp and Department of Pathology and Laboratory Medicine, Sinai Health System); PubMed 38106161 (cited by Women's Health and Genetics/Laboratory Corporation of America, LabCorp); PubMed 15775720 (cited by 3 submitters); PubMed 31740684 (cited by Ambry Genetics); PubMed 22508176 (cited by Department of Pathology and Laboratory Medicine, Sinai Health System); PubMed 27499327 (cited by Department of Pathology and Laboratory Medicine, Sinai Health System).